The following is an entry in ClinVar:

ClinVar aggregate classification (germline): Uncertain significance. Review status: criteria provided, single submitter (1 of 4 stars). 2 submissions from 2 submitters: Uncertain significance (1). 1 of the submissions does not count toward it. Last evaluated 2026-01-22.

Conditions:
DNM1L-related disorder. Also called: DNM1L-related condition.
Inborn genetic diseases. Identifiers: MedGen C0950123, MeSH D030342.

Allele frequency attached by ClinVar (database versions not stated): gnomAD exomes 0.00378.
gnomAD v4.1: 5,355 of 1,574,418 alleles (0.34%); highest among the groups gnomAD compares: Non-Finnish European, 0.43%; no homozygotes.

Submissions (2):

Ambry Genetics
Classification: Uncertain significance for Inborn genetic diseases. Last evaluated: 2026-01-22. Review status: criteria provided, single submitter. Criteria: Ambry Variant Classification Scheme 2023. Collection method: clinical testing. Allele origin: germline.
Comment: The c.1994+3T>G intronic alteration consists of a T to G substitution nucleotides after coding exon 18 in the DNM1L gene. This variant was not reported in population-based cohorts in the Genome Aggregation Database (gnomAD). Based on insufficient or conflicting evidence, the clinical significance of this alteration remains unclear.

PreventionGenetics, part of Exact Sciences
Classification: Likely benign for DNM1L-related condition. Last evaluated: 2019-11-19. Review status: no assertion criteria provided. Collection method: clinical testing. Allele origin: germline. Not counted in ClinVar's aggregate classification.
Comment: This variant is classified as likely benign based on ACMG/AMP sequence variant interpretation guidelines (Richards et al. 2015 PMID: 25741868, with internal and published modifications).

NM_012062.5(DNM1L):c.1994+3T>G

Gene: DNM1L (dynamin 1 like; plus strand). Cytogenetic location: 12p11.21.
Variant type: single nucleotide variant.
Coding change: c.1994+3T>G on transcript NM_012062.5 (MANE Select); 3 bases into the intron after coding-DNA position 1994, T replaced by G.
Molecular consequence: intron variant.
Genome position (GRCh38, 1-based): chr12:32,740,521, T>G. VCF-style: chr12-32740521-T-G. GRCh37 (hg19) VCF-style: chr12-32893455-T-G.
Other names: c.2033+3T>G (NM_001278464.2); c.2000+3T>G (NM_001278465.2); c.1922+3T>G (NM_001330380.2); c.1385+3T>G (NM_001278466.2); c.1961+3T>G (NM_001278463.2); c.1916+3T>G (NM_012063.4); c.1883+3T>G (NM_005690.5); c.1994+3T>G (NM_012062.4).
Identifiers: ClinVar variation 2278085 (VCV002278085.5), dbSNP rs2541124131, ClinGen allele CA2567788169.